The following is an entry in ClinVar:

NM_000090.4(COL3A1):c.3676G>A (p.Asp1226Asn)

Gene: COL3A1 (collagen type III alpha 1 chain; plus strand). Cytogenetic location: 2q32.2.
Variant type: single nucleotide variant.
Coding change: c.3676G>A on transcript NM_000090.4 (MANE Select); coding-DNA position 3676, G replaced by A.
Protein change: p.Asp1226Asn; replaces aspartic acid 1226 with asparagine.
Molecular consequence: missense variant.
Genome position (GRCh38, 1-based): chr2:189,009,074, G>A. VCF-style: chr2-189009074-G-A. GRCh37 (hg19) VCF-style: chr2-189873800-G-A.
Other names: short protein forms D1226N.
Identifiers: ClinVar variation 921015 (VCV000921015.5), dbSNP rs1453881906, ClinGen allele CA349847049.
Genomic context (GRCh38, chr2:189,009,074, plus strand): 5'-GCTGGGATTGGAGGTGAAAAAGCTGGCGGTTTTGCCCCGTATTATGGAGATGAACCAATG[G>A]ATTTCAAAATCAACACCGATGAGATTATGACTTCACTCAAGTCTGTTAATGGACAAATAG-3'
Protein context (NP_000081.2, residues 1216-1236): FAPYYGDEPM[Asp1226Asn]FKINTDEIMT

ClinVar aggregate classification (germline): Uncertain significance (1 of 4 stars; one submission).

Conditions:
Familial thoracic aortic aneurysm and aortic dissection (TAAD). Also called: Thoracic aortic aneurysms and dissections. Identifiers: Orphanet 91387, MedGen C4707243, MONDO:0019625.

Submission:

Color Diagnostics, LLC DBA Color Health
Classification: Uncertain significance for Familial thoracic aortic aneurysm and aortic dissection. Last evaluated: 2023-12-05. Review status: criteria provided, single submitter. Criteria: ACMG Guidelines, 2015. Collection method: clinical testing. Allele origin: germline.
Comment: Variant of Uncertain Significance due to insufficient evidence: This missense variant is located in the C-terminal propeptide sequence of the COL3A1 protein. Computational prediction tools and conservation analyses are inconclusive regarding the impact of this variant on the protein function. Computational splicing tools suggest that this variant may not impact RNA splicing. To our knowledge, functional assays have not been performed for this variant nor has this variant been reported in individuals affected with cardiovascular disorders in the literature. This variant is rare in the general population and has been identified in 0/277264 chromosomes by the Genome Aggregation Database (gnomAD). Available evidence is insufficient to determine the pathogenicity of this variant conclusively.